The following is an entry in ClinVar:

NM_001089.3(ABCA3):c.4748G>A (p.Arg1583Gln)

Gene: ABCA3 (ATP binding cassette subfamily A member 3; minus strand). Cytogenetic location: 16p13.3.
Variant type: single nucleotide variant.
Coding change: c.4748G>A on transcript NM_001089.3 (MANE Select); coding-DNA position 4748, G replaced by A.
Protein change: p.Arg1583Gln; replaces arginine 1583 with glutamine.
Molecular consequence: missense variant.
Genome position (GRCh38, 1-based): chr16:2,278,040, C>T on the plus strand (G>A on the coding strand, the complement: ABCA3 is on the minus strand). VCF-style: chr16-2278040-C-T. GRCh37 (hg19) VCF-style: chr16-2328041-C-T.
Other names: short protein forms R1583Q.
Identifiers: ClinVar variation 4691567 (VCV004691567.2).
Genomic context (GRCh38, chr16:2,278,040, plus strand): 5'-CTCTTGAGGTGCTGGGGGCTGCCCAGGCACTTGAACTGCCCCTGCACCATGATGGCCAGC[C>T]GGGTGCACAGGGCCTCACACTCCTCCATGCTGTGGAGAGGGCGGGACCTCAGATAGGGCT-3'
Protein context (NP_001080.2, residues 1573-1593): SMEECEALCT[Arg1583Gln]LAIMVQGQFK

ClinVar aggregate classification (germline): Uncertain significance. Review status: criteria provided, multiple submitters, no conflicts (2 of 4 stars). 2 submissions from 2 submitters: Uncertain significance (2). Last evaluated 2026-01-29.

Conditions:
Interstitial lung disease due to ABCA3 deficiency. Also called: PULMONARY ALVEOLAR PROTEINOSIS, CONGENITAL, 3. Identifiers: Orphanet 440402, MedGen C1970456, MONDO:0012582, OMIM 610921.

gnomAD v4.1: 13 of 1,613,426 alleles (0.00081%); highest among the groups gnomAD compares: Non-Finnish European, 0.00085%; no homozygotes.

Submissions (2):

Myriad Genetics, Inc.
Classification: Uncertain significance for Interstitial lung disease due to ABCA3 deficiency. Last evaluated: 2026-01-29. Review status: criteria provided, single submitter. Criteria: Myriad Autosomal Dominant, Autosomal Recessive and X-Linked Classification Criteria (2023). Collection method: clinical testing. Allele origin: unknown.
Comment: NM_001089.2(ABCA3):c.4748G>A(R1583Q) is a missense variant classified as a variant of uncertain significance in the context of surfactant deficiency, ABCA3-related. R1583Q has been observed in a case with relevant disease (PMID: Strobele_2024_(abstract)). Relevant functional assessments of this variant are not available in the literature. R1583Q has not been observed in referenced population frequency databases. In summary, there is insufficient evidence to classify NM_001089.2(ABCA3):c.4748G>A(R1583Q) as pathogenic or benign. Please note: this variant was assessed in the context of healthy population screening.

Labcorp Genetics (formerly Invitae), Labcorp
Classification: Uncertain significance. Last evaluated: 2025-06-16. Review status: criteria provided, single submitter. Criteria: Invitae Variant Classification Sherloc (09022015). Collection method: clinical testing. Allele origin: germline.
Comment: This sequence change replaces arginine, which is basic and polar, with glutamine, which is neutral and polar, at codon 1583 of the ABCA3 protein (p.Arg1583Gln). This variant is not present in population databases (gnomAD no frequency). This variant has not been reported in the literature in individuals affected with ABCA3-related conditions. Invitae Evidence Modeling of protein sequence and biophysical properties (such as structural, functional, and spatial information, amino acid conservation, physicochemical variation, residue mobility, and thermodynamic stability) has been performed for this missense variant. However, the output from this modeling did not meet the statistical confidence thresholds required to predict the impact of this variant on ABCA3 protein function. This variant disrupts the p.Arg1583 amino acid residue in ABCA3. Other variant(s) that disrupt this residue have been determined to be pathogenic (PMID: 22068586, 25105258). This suggests that this residue is clinically significant, and that variants that disrupt this residue are likely to be disease-causing. In summary, the available evidence is currently insufficient to determine the role of this variant in disease. Therefore, it has been classified as a Variant of Uncertain Significance.

Literature cited by the submitters: PubMed 22068586 (cited by Labcorp Genetics (formerly Invitae), Labcorp); PubMed 25105258 (cited by Labcorp Genetics (formerly Invitae), Labcorp).